The following is an entry in ClinVar:

ClinVar aggregate classification (germline): Uncertain significance (1 of 4 stars; one submission).

Conditions:
Familial hypocalciuric hypercalcemia (FHH). Also called: Familial benign hypercalcemia. Identifiers: Orphanet 405, MedGen C1809471, MONDO:0018458.
Autosomal dominant hypocalcemia 1 (HYPOC1). Also called: HYPOCALCEMIA, FAMILIAL. Identifiers: MedGen C3715128, MONDO:0011013, OMIM 601198.

Allele frequency attached by ClinVar (database versions not stated): gnomAD exomes below 0.00001.
gnomAD v4.1: 1 of 1,614,188 alleles (0.000062%); highest among the groups gnomAD compares: Non-Finnish European, 0.000085%; no homozygotes.

Submission:

Labcorp Genetics (formerly Invitae), Labcorp
Classification: Uncertain significance for Familial hypocalciuric hypercalcemia; Autosomal dominant hypocalcemia 1. Last evaluated: 2021-11-09. Review status: criteria provided, single submitter. Criteria: Invitae Variant Classification Sherloc (09022015). Collection method: clinical testing. Allele origin: germline.
Comment: In summary, the available evidence is currently insufficient to determine the role of this variant in disease. Therefore, it has been classified as a Variant of Uncertain Significance. Algorithms developed to predict the effect of missense changes on protein structure and function (SIFT, PolyPhen-2, Align-GVGD) all suggest that this variant is likely to be disruptive. This variant has not been reported in the literature in individuals affected with CASR-related conditions. This variant is not present in population databases (gnomAD no frequency). This sequence change replaces aspartic acid, which is acidic and polar, with valine, which is neutral and non-polar, at codon 99 of the CASR protein (p.Asp99Val).

NM_000388.4(CASR):c.296A>T (p.Asp99Val)

Gene: CASR (calcium sensing receptor; plus strand). Cytogenetic location: 3q21.1.
Variant type: single nucleotide variant.
Coding change: c.296A>T on transcript NM_000388.4 (MANE Select); coding-DNA position 296, A replaced by T.
Protein change: p.Asp99Val; replaces aspartic acid 99 with valine.
Molecular consequence: missense variant.
Genome position (GRCh38, 1-based): chr3:122,257,191, A>T. VCF-style: chr3-122257191-A-T. GRCh37 (hg19) VCF-style: chr3-121976038-A-T.
Other names: c.296A>T, p.Asp99Val (NM_001178065.2); short protein forms D99V.
Identifiers: ClinVar variation 1392231 (VCV001392231.6), dbSNP rs2107627605, ClinGen allele CA354362587.
Genomic context (GRCh38, chr3:122,257,191, plus strand): 5'-AGGAGATAAACAGCAGCCCAGCCCTTCTTCCCAACTTGACGCTGGGATACAGGATATTTG[A>T]CACTTGCAACACCGTTTCTAAGGCCTTGGAAGCCACCCTGAGTTTTGTTGCTCAAAACAA-3'
Protein context (NP_000379.3, residues 89-109): PNLTLGYRIF[Asp99Val]TCNTVSKALE